The following is an entry in ClinVar:

ClinVar aggregate classification (germline): Uncertain significance. Review status: criteria provided, multiple submitters, no conflicts (2 of 4 stars). 7 submissions from 7 submitters: Uncertain significance (7). Last evaluated 2026-01-14.

Conditions:
Hereditary cancer-predisposing syndrome. Also called: Tumor predisposition; Neoplastic Syndromes, Hereditary; Hereditary Cancer Syndrome; Hereditary neoplastic syndrome. Identifiers: Orphanet 140162, MedGen C0027672, MeSH D009386, MONDO:0015356.
Familial cancer of breast. Also called: Hereditary breast cancer; BREAST CANCER, FAMILIAL; hereditary breast carcinoma. Identifiers: Orphanet 227535, MedGen C0346153, MONDO:0016419, OMIM 114480. Disease mechanism: loss of function.

Allele frequency attached by ClinVar (database versions not stated): gnomAD exomes below 0.00001; TOPMed below 0.00001.
gnomAD v4.1: 4 of 1,607,186 alleles (0.00025%); highest among the groups gnomAD compares: Non-Finnish European, 0.00034%; no homozygotes.

Submissions (7):

Labcorp Genetics (formerly Invitae), Labcorp
Classification: Uncertain significance for Familial cancer of breast. Last evaluated: 2026-01-14. Review status: criteria provided, single submitter. Criteria: Invitae Variant Classification Sherloc (09022015). Collection method: clinical testing. Allele origin: germline.
Comment: This sequence change replaces leucine, which is neutral and non-polar, with tryptophan, which is neutral and slightly polar, at codon 123 of the BARD1 protein (p.Leu123Trp). This variant is not present in population databases (gnomAD no frequency). This variant has not been reported in the literature in individuals affected with BARD1-related conditions. ClinVar contains an entry for this variant (Variation ID: 245753). An algorithm developed to predict the effect of missense changes on protein structure and function (PolyPhen-2) suggests that this variant is likely to be disruptive. In summary, the available evidence is currently insufficient to determine the role of this variant in disease. Therefore, it has been classified as a Variant of Uncertain Significance.

Ambry Genetics
Classification: Uncertain significance for Hereditary cancer-predisposing syndrome. Last evaluated: 2025-06-28. Review status: criteria provided, single submitter. Criteria: Ambry Variant Classification Scheme 2023. Collection method: clinical testing. Allele origin: germline.
Comment: The p.L123W variant (also known as c.368T>G), located in coding exon 4 of the BARD1 gene, results from a T to G substitution at nucleotide position 368. The leucine at codon 123 is replaced by tryptophan, an amino acid with similar properties. This amino acid position is poorly conserved in available vertebrate species. In addition, this alteration is predicted to be tolerated by in silico analysis. Since supporting evidence is limited at this time, the clinical significance of this alteration remains unclear.

Quest Diagnostics Nichols Institute San Juan Capistrano
Classification: Uncertain significance. Last evaluated: 2024-09-29. Review status: criteria provided, single submitter. Criteria: Quest Diagnostics criteria. Collection method: clinical testing. Allele origin: unknown.
Comment: The BARD1 c.368T>G (p.Leu123Trp) variant has not been reported in individuals with BARD1-related conditions in the published literature. It also has not been reported in large, multi-ethnic general populations (Genome Aggregation Database). Analysis of this variant using bioinformatics tools for the prediction of the effect of amino acid changes on protein structure and function yielded conflicting predictions that this variant is benign or damaging. Based on the available information, we are unable to determine the clinical significance of this variant.

St. Jude Molecular Pathology, St. Jude Children's Research Hospital
Classification: Uncertain significance for Familial cancer of breast. Last evaluated: 2024-05-12. Review status: criteria provided, single submitter. Criteria: St. Jude Assertion Criteria 2020. Collection method: clinical testing. Allele origin: germline.
Comment: The BARD1 c.368T>G (p.Leu123Trp) missense change is absent in gnomAD v2.1.1. The in silico tool REVEL is inconclusive about a pathogenic or benign effect of this variant on protein function, and to our knowledge functional studies have not been performed. To our knowledge, this variant has not been reported as pathogenic in individuals with BARD1-related disease. In summary, the evidence currently available is insufficient to determine the clinical significance of this variant. It has therefore been classified as of uncertain significance.

Baylor Genetics
Classification: Uncertain significance for Familial cancer of breast. Last evaluated: 2024-02-10. Review status: criteria provided, single submitter. Criteria: ACMG Guidelines, 2015. Collection method: clinical testing. Allele origin: unknown.

Color Diagnostics, LLC DBA Color Health
Classification: Uncertain significance for Hereditary cancer-predisposing syndrome. Last evaluated: 2023-12-05. Review status: criteria provided, single submitter. Criteria: ACMG Guidelines, 2015. Collection method: clinical testing. Allele origin: germline.
Comment: This missense variant replaces leucine with tryptophan at codon 123 of the BARD1 protein. Computational prediction suggests that this variant may not impact protein structure and function (internally defined REVEL score threshold <= 0.5, PMID: 27666373). To our knowledge, functional studies have not been reported for this variant. This variant has not been reported in individuals affected with BARD1-related disorders in the literature. This variant has not been identified in the general population by the Genome Aggregation Database (gnomAD). The available evidence is insufficient to determine the role of this variant in disease conclusively. Therefore, this variant is classified as a Variant of Uncertain Significance.

GeneDx
Classification: Uncertain significance. Last evaluated: 2019-06-26. Review status: criteria provided, single submitter. Criteria: GeneDx Variant Classification Process June 2021. Collection method: clinical testing. Allele origin: germline. Affected: yes.
Comment: Not observed in large population cohorts (Lek et al., 2016); In silico analysis, which includes protein predictors and evolutionary conservation, supports that this variant does not alter protein structure/function; Has not been previously published as pathogenic or benign to our knowledge

NM_000465.4(BARD1):c.368T>G (p.Leu123Trp)

Gene: BARD1 (BRCA1 associated RING domain 1; minus strand). Cytogenetic location: 2q35.
Variant type: single nucleotide variant.
Coding change: c.368T>G on transcript NM_000465.4 (MANE Select); coding-DNA position 368, T replaced by G.
Protein change: p.Leu123Trp; replaces leucine 123 with tryptophan.
Molecular consequence: missense variant. On other transcripts: non-coding transcript variant (2), intron variant (3).
Genome position (GRCh38, 1-based): chr2:214,781,506, A>C on the plus strand (T>G on the coding strand, the complement: BARD1 is on the minus strand). VCF-style: chr2-214781506-A-C. GRCh37 (hg19) VCF-style: chr2-215646230-A-C.
Other names: c.311T>G, p.Leu104Trp (NM_001282543.2); c.158+27906T>G (NM_001282548.2); c.215+15555T>G (NM_001282545.2); c.364+10791T>G (NM_001282549.2); short protein forms L123W, L104W.
Identifiers: ClinVar variation 245753 (VCV000245753.29), dbSNP rs879253930, ClinGen allele CA10584181.
Genomic context (GRCh38, chr2:214,781,506, plus strand): 5'-ATTGAATTCTTCTTGTTTCCTGCATCATTAAACAAACTTTTCCTAGGTTTATCTTCTTTC[A>C]AATCTGACAGAAAAAAAGAAAAAGAAATCTGTTACATGAAATTTATTGCTCCCACATGGA-3'
Protein context (NP_000456.2, residues 113-133): NLLHDNELSD[Leu123Trp]KEDKPRKSLF